The following is an entry in ClinVar:

NM_001267550.2(TTN):c.18028+2T>C

Gene: TTN (titin; minus strand). Cytogenetic location: 2q31.2.
Variant type: single nucleotide variant.
Coding change: c.18028+2T>C on transcript NM_001267550.2 (MANE Select); the canonical splice donor site of the intron after coding-DNA position 18028, T replaced by C.
Molecular consequence: splice donor variant. On other transcripts: intron variant (3).
Genome position (GRCh38, 1-based): chr2:178,730,503, A>G on the plus strand (T>C on the coding strand, the complement: TTN is on the minus strand). VCF-style: chr2-178730503-A-G. GRCh37 (hg19) VCF-style: chr2-179595230-A-G.
Other names: c.13282+7579T>C (NM_003319.4); c.13858+7579T>C (NM_133437.4); c.13657+7579T>C (NM_133432.3); c.14296+2T>C (NM_133378.4); c.17077+2T>C (NM_001256850.1).
Identifiers: ClinVar variation 500210 (VCV000500210.8), dbSNP rs1553922787, ClinGen allele CA349567570.

ClinVar aggregate classification (germline): Conflicting classifications of pathogenicity. Review status: criteria provided, conflicting classifications (1 of 4 stars). 2 submissions from 2 submitters: Likely pathogenic (1); Uncertain significance (1). Last evaluated 2024-10-07.

Conditions:
Autosomal recessive limb-girdle muscular dystrophy type 2J (LGMDR10). Also called: MUSCULAR DYSTROPHY, LIMB-GIRDLE, AUTOSOMAL RECESSIVE 10; Limb-girdle muscular dystrophy, type 2J. Identifiers: Orphanet 140922, MedGen C1837342, MONDO:0012127, OMIM 608807.
Dilated cardiomyopathy 1G (CMD1G). Identifiers: Orphanet 154, MedGen C1858763, MONDO:0011400, OMIM 604145.

Allele frequency attached by ClinVar (database versions not stated): TOPMed below 0.00001.

Submissions (2):

Labcorp Genetics (formerly Invitae), Labcorp
Classification: Likely pathogenic for Dilated cardiomyopathy 1G; Autosomal recessive limb-girdle muscular dystrophy type 2J. Last evaluated: 2024-10-07. Review status: criteria provided, single submitter. Criteria: Invitae Variant Classification Sherloc (09022015). Collection method: clinical testing. Allele origin: germline.
Comment: This sequence change affects a donor splice site in intron 61 of the TTN gene. It is expected to disrupt RNA splicing and likely results in a truncated or disrupted TTN protein. This variant is not present in population databases (gnomAD no frequency). This variant has not been reported in the literature in individuals affected with TTN-related conditions. ClinVar contains an entry for this variant (Variation ID: 500210). Algorithms developed to predict the effect of sequence changes on RNA splicing suggest that this variant may disrupt the consensus splice site. This variant is located in the I band of TTN (PMID: 25589632). Truncating variants in this region have been reported in individuals affected with autosomal recessive centronuclear myopathy (PMID: 23975875, internal data). Truncating variants in this region have also been identified in individuals affected with autosomal dominant dilated cardiomyopathy and/or cardio-related conditions (PMID: 27869827, 32964742, internal data). In summary, the currently available evidence indicates that the variant is pathogenic, but additional data are needed to prove that conclusively. Therefore, this variant has been classified as Likely Pathogenic.

Eurofins Ntd Llc (ga)
Classification: Uncertain significance. Last evaluated: 2017-02-02. Review status: criteria provided, single submitter. Criteria: EGL Classification Definitions 2015. Collection method: clinical testing. Allele origin: germline. Observed: 1 variant allele, 1 heterozygote.

Literature cited by the submitters: PubMed 25589632 (cited by Labcorp Genetics (formerly Invitae), Labcorp); PubMed 23975875 (cited by Labcorp Genetics (formerly Invitae), Labcorp); PubMed 27869827 (cited by Labcorp Genetics (formerly Invitae), Labcorp); PubMed 32964742 (cited by Labcorp Genetics (formerly Invitae), Labcorp).